The following is an entry in ClinVar:

ClinVar aggregate classification (germline): Uncertain significance (1 of 4 stars; one submission).

Conditions:
Nephronophthisis. Also called: Juvenile Nephronophthisis. Identifiers: Orphanet 655, MedGen C0687120, MONDO:0019005, HP:0000090.

Submission:

Labcorp Genetics (formerly Invitae), Labcorp
Classification: Uncertain significance for Nephronophthisis. Last evaluated: 2025-08-03. Review status: criteria provided, single submitter. Criteria: Invitae Variant Classification Sherloc (09022015). Collection method: clinical testing. Allele origin: germline.
Comment: This sequence change affects codon 323 of the NPHP1 mRNA. It is a 'silent' change, meaning that it does not change the encoded amino acid sequence of the NPHP1 protein. This variant is not present in population databases (gnomAD no frequency). This variant has not been reported in the literature in individuals affected with NPHP1-related conditions. Algorithms developed to predict the effect of sequence changes on RNA splicing suggest that this variant may disrupt the consensus splice site. In summary, the available evidence is currently insufficient to determine the role of this variant in disease. Therefore, it has been classified as a Variant of Uncertain Significance.

NM_001128178.3(NPHP1):c.801G>T (p.Thr267=)

Gene: NPHP1 (nephrocystin 1; minus strand). Cytogenetic location: 2q13.
Variant type: single nucleotide variant.
Coding change: c.801G>T on transcript NM_001128178.3 (MANE Select); coding-DNA position 801, G replaced by T.
Protein change: p.Thr267=; no amino-acid change (threonine 267 retained).
Molecular consequence: synonymous variant.
Genome position (GRCh38, 1-based): chr2:110,163,106, C>A on the plus strand (G>T on the coding strand, the complement: NPHP1 is on the minus strand). VCF-style: chr2-110163106-C-A. GRCh37 (hg19) VCF-style: chr2-110920683-C-A.
Other names: c.969G>T, p.Thr323= (NM_000272.5); c.612G>T, p.Thr204= (NM_001128179.3); c.798G>T, p.Thr266= (NM_001374256.1); c.801G>T, p.Thr267= (NM_001374257.1); c.966G>T, p.Thr322= (NM_207181.4).
Identifiers: ClinVar variation 4720785 (VCV004720785.1).